The following is an entry in ClinVar:

NM_018718.3(CEP41):c.28C>G (p.Pro10Ala)

Gene: CEP41 (centrosomal protein 41; minus strand). Cytogenetic location: 7q32.2.
Variant type: single nucleotide variant.
Coding change: c.28C>G on transcript NM_018718.3 (MANE Select); coding-DNA position 28, C replaced by G.
Protein change: p.Pro10Ala; replaces proline 10 with alanine.
Molecular consequence: missense variant. On other transcripts: non-coding transcript variant (1).
Genome position (GRCh38, 1-based): chr7:130,440,939, G>C on the plus strand (C>G on the coding strand, the complement: CEP41 is on the minus strand). VCF-style: chr7-130440939-G-C. GRCh37 (hg19) VCF-style: chr7-130080780-G-C.
Other names: c.28C>G, p.Pro10Ala (NM_001257158.2, NM_001257159.2, NM_001257160.2); short protein forms P10A.
Identifiers: ClinVar variation 1047770 (VCV001047770.7), dbSNP rs149373377, ClinGen allele CA4485747.

ClinVar aggregate classification (germline): Uncertain significance. Review status: criteria provided, multiple submitters, no conflicts (2 of 4 stars). 2 submissions from 2 submitters: Uncertain significance (2). Last evaluated 2021-12-21.

Conditions:
Joubert syndrome 15 (JBTS15). Identifiers: Orphanet 475, MedGen C3280897, MONDO:0013763, OMIM 614464.

Allele frequency attached by ClinVar (database versions not stated): TOPMed 0.00001; 1000 Genomes Project 30x 0.00016; 1000 Genomes Project 0.00020.
gnomAD v4.1: 18 of 1,612,508 alleles (0.0011%); highest among the groups gnomAD compares: East Asian, 0.027%; no homozygotes.

Submissions (2):

Fulgent Genetics
Classification: Uncertain significance for Joubert syndrome 15. Last evaluated: 2021-12-21. Review status: criteria provided, single submitter. Criteria: ACMG Guidelines, 2015. Collection method: clinical testing. Allele origin: unknown.

Labcorp Genetics (formerly Invitae), Labcorp
Classification: Uncertain significance for Joubert syndrome 15. Last evaluated: 2021-09-01. Review status: criteria provided, single submitter. Criteria: Invitae Variant Classification Sherloc (09022015). Collection method: clinical testing. Allele origin: germline.
Comment: This sequence change replaces proline with alanine at codon 10 of the CEP41 protein (p.Pro10Ala). The proline residue is moderately conserved and there is a small physicochemical difference between proline and alanine. This variant is present in population databases (rs149373377, ExAC 0.05%). This variant has not been reported in the literature in individuals affected with CEP41-related conditions. Algorithms developed to predict the effect of missense changes on protein structure and function (SIFT, PolyPhen-2, Align-GVGD) all suggest that this variant is likely to be tolerated. In summary, the available evidence is currently insufficient to determine the role of this variant in disease. Therefore, it has been classified as a Variant of Uncertain Significance.